The following is an entry in ClinVar:

NM_000245.4(MET):c.2337G>A (p.Val779=)

Gene: MET (MET proto-oncogene, receptor tyrosine kinase; plus strand). Cytogenetic location: 7q31.2.
Variant type: single nucleotide variant.
Coding change: c.2337G>A on transcript NM_000245.4 (MANE Select); coding-DNA position 2337, G replaced by A.
Protein change: p.Val779=; no amino-acid change (valine 779 retained).
Molecular consequence: synonymous variant.
Genome position (GRCh38, 1-based): chr7:116,759,463, G>A. VCF-style: chr7-116759463-G-A. GRCh37 (hg19) VCF-style: chr7-116399517-G-A.
Other names: c.2391G>A, p.Val797= (NM_001127500.3); c.2337G>A, p.Val779= (NM_001324401.3); c.1047G>A, p.Val349= (NM_001324402.2).
Identifiers: ClinVar variation 215788 (VCV000215788.14), dbSNP rs863224377, ClinGen allele CA336423.

ClinVar aggregate classification (germline): Benign/Likely benign. Review status: criteria provided, multiple submitters, no conflicts (2 of 4 stars). 3 submissions from 3 submitters: Benign (1); Likely benign (2). Last evaluated 2025-11-10.

Conditions:
Renal cell carcinoma. Identifiers: Orphanet 217071, MedGen C0007134, MeSH D002292, MONDO:0005086, HP:0005584.
Hereditary cancer-predisposing syndrome. Also called: Hereditary neoplastic syndrome; Neoplastic Syndromes, Hereditary; Tumor predisposition; Hereditary Cancer Syndrome. Identifiers: Orphanet 140162, MedGen C0027672, MeSH D009386, MONDO:0015356.
Papillary renal cell carcinoma type 1 (RCCP1). Also called: RENAL CELL CARCINOMA, PAPILLARY, 1, SOMATIC; Renal adenocarcinoma; Renal cell carcinoma 1; Renal cell carcinoma, somatic. Identifiers: Orphanet 47044, MedGen C1336839, OMIM 605074, HP:0011797.

gnomAD v4.1: 2 of 1,613,652 alleles (0.00012%); highest among the groups gnomAD compares: Non-Finnish European, 0.000085%; no homozygotes.

Submissions (3):

Labcorp Genetics (formerly Invitae), Labcorp
Classification: Likely benign for Renal cell carcinoma. Last evaluated: 2025-11-10. Review status: criteria provided, single submitter. Criteria: Invitae Variant Classification Sherloc (09022015). Collection method: clinical testing. Allele origin: germline.

Myriad Genetics, Inc.
Classification: Benign for Papillary renal cell carcinoma type 1. Last evaluated: 2024-11-11. Review status: criteria provided, single submitter. Criteria: Myriad Autosomal Dominant, Autosomal Recessive and X-Linked Classification Criteria (2023). Collection method: clinical testing. Allele origin: unknown.
Comment: This variant is considered benign. This variant is a silent/synonymous amino acid change and it is not expected to impact splicing.

Ambry Genetics
Classification: Likely benign for Hereditary cancer-predisposing syndrome. Last evaluated: 2020-10-10. Review status: criteria provided, single submitter. Criteria: Ambry Variant Classification Scheme 2023. Collection method: clinical testing. Allele origin: germline.